The following is an entry in ClinVar:

NM_004530.6(MMP2):c.1628A>G (p.Tyr543Cys)

Gene: MMP2 (matrix metallopeptidase 2; plus strand). Cytogenetic location: 16q12.2.
Variant type: single nucleotide variant.
Coding change: c.1628A>G on transcript NM_004530.6 (MANE Select); coding-DNA position 1628, A replaced by G.
Protein change: p.Tyr543Cys; replaces tyrosine 543 with cysteine.
Molecular consequence: missense variant.
Genome position (GRCh38, 1-based): chr16:55,498,307, A>G. VCF-style: chr16-55498307-A-G. GRCh37 (hg19) VCF-style: chr16-55532219-A-G.
Other names: c.1478A>G, p.Tyr493Cys (NM_001127891.3); c.1400A>G, p.Tyr467Cys (NM_001302508.1, NM_001302509.2, NM_001302510.2); c.1628A>G (NM_004530.4); short protein forms Y467C, Y493C, Y543C.
Identifiers: ClinVar variation 1399627 (VCV001399627.5), dbSNP rs138709475, ClinGen allele CA8060517.

ClinVar aggregate classification (germline): Uncertain significance. Review status: criteria provided, multiple submitters, no conflicts (2 of 4 stars). 2 submissions from 2 submitters: Uncertain significance (2). Last evaluated 2024-12-28.

Conditions:
Inborn genetic diseases. Identifiers: MedGen C0950123, MeSH D030342.

Allele frequency attached by ClinVar (database versions not stated): TOPMed 0.00012; gnomAD exomes 0.00018; gnomAD 0.00019 and 0.00021; ExAC 0.00021; ESP Exome Variant Server 0.00046.
gnomAD v4.1: 621 of 1,613,986 alleles (0.038%); highest among the groups gnomAD compares: Non-Finnish European, 0.051%; no homozygotes.

Submissions (2):

Ambry Genetics
Classification: Uncertain significance for Inborn genetic diseases. Last evaluated: 2024-12-28. Review status: criteria provided, single submitter. Criteria: Ambry Variant Classification Scheme 2023. Collection method: clinical testing. Allele origin: germline.

Labcorp Genetics (formerly Invitae), Labcorp
Classification: Uncertain significance. Last evaluated: 2022-08-23. Review status: criteria provided, single submitter. Criteria: Invitae Variant Classification Sherloc (09022015). Collection method: clinical testing. Allele origin: germline.
Comment: This sequence change replaces tyrosine, which is neutral and polar, with cysteine, which is neutral and slightly polar, at codon 543 of the MMP2 protein (p.Tyr543Cys). This variant is present in population databases (rs138709475, gnomAD 0.04%). This variant has not been reported in the literature in individuals affected with MMP2-related conditions. ClinVar contains an entry for this variant (Variation ID: 1399627). Algorithms developed to predict the effect of missense changes on protein structure and function (SIFT, PolyPhen-2, Align-GVGD) all suggest that this variant is likely to be disruptive. In summary, the available evidence is currently insufficient to determine the role of this variant in disease. Therefore, it has been classified as a Variant of Uncertain Significance.